The following is an entry in ClinVar:

ClinVar aggregate classification (germline): Uncertain significance (1 of 4 stars; one submission).

Submission:

Labcorp Genetics (formerly Invitae), Labcorp
Classification: Uncertain significance. Last evaluated: 2025-11-07. Review status: criteria provided, single submitter. Criteria: Invitae Variant Classification Sherloc (09022015). Collection method: clinical testing. Allele origin: germline.
Comment: This sequence change replaces lysine, which is basic and polar, with glutamic acid, which is acidic and polar, at codon 432 of the ENPP1 protein (p.Lys432Glu). This variant is not present in population databases (gnomAD no frequency). This variant has not been reported in the literature in individuals affected with ENPP1-related conditions. Invitae Evidence Modeling of protein sequence and biophysical properties (such as structural, functional, and spatial information, amino acid conservation, physicochemical variation, residue mobility, and thermodynamic stability) indicates that this missense variant is not expected to disrupt ENPP1 protein function with a negative predictive value of 80%. In summary, the available evidence is currently insufficient to determine the role of this variant in disease. Therefore, it has been classified as a Variant of Uncertain Significance.

NM_006208.3(ENPP1):c.1294A>G (p.Lys432Glu)

Gene: ENPP1 (ectonucleotide pyrophosphatase/phosphodiesterase 1; plus strand). Cytogenetic location: 6q23.2.
Variant type: single nucleotide variant.
Coding change: c.1294A>G on transcript NM_006208.3 (MANE Select); coding-DNA position 1294, A replaced by G.
Protein change: p.Lys432Glu; replaces lysine 432 with glutamic acid.
Molecular consequence: missense variant.
Genome position (GRCh38, 1-based): chr6:131,869,378, A>G. VCF-style: chr6-131869378-A-G. GRCh37 (hg19) VCF-style: chr6-132190518-A-G.
Other names: short protein forms K432E.
Identifiers: ClinVar variation 4769506 (VCV004769506.1).
Genomic context (GRCh38, chr6:131,869,378, plus strand): 5'-TAAAGTTACAGCATGTTTTGGGATTTTTTTTTTCTCCTAGGCATGGAACAAGGCAGTTGT[A>G]AGAAATACATATATCTGAATAAATATTTGGGGGATGTTAAAAATATTAAAGTTATCTATG-3'
Protein context (NP_006199.2, residues 422-442): SDHGMEQGSC[Lys432Glu]KYIYLNKYLG